The following is an entry in ClinVar:

NM_001128840.3(CACNA1D):c.2743C>G (p.Arg915Gly)

Gene: CACNA1D (calcium voltage-gated channel subunit alpha1 D; plus strand). Cytogenetic location: 3p21.1.
Variant type: single nucleotide variant.
Coding change: c.2743C>G on transcript NM_001128840.3 (MANE Select); coding-DNA position 2743, C replaced by G.
Protein change: p.Arg915Gly; replaces arginine 915 with glycine.
Molecular consequence: missense variant.
Genome position (GRCh38, 1-based): chr3:53,735,495, C>G. VCF-style: chr3-53735495-C-G. GRCh37 (hg19) VCF-style: chr3-53769522-C-G.
Other names: c.2803C>G, p.Arg935Gly (NM_000720.4); c.2743C>G, p.Arg915Gly (NM_001128839.3); short protein forms R915G, R935G.
Identifiers: ClinVar variation 2980421 (VCV002980421.3), dbSNP rs368864820, ClinGen allele CA74855704.

ClinVar aggregate classification (germline): Uncertain significance (1 of 4 stars; one submission).

gnomAD v4.1: 1 of 1,614,110 alleles (0.000062%); no homozygotes.

Submission:

Labcorp Genetics (formerly Invitae), Labcorp
Classification: Uncertain significance. Last evaluated: 2023-03-29. Review status: criteria provided, single submitter. Criteria: Invitae Variant Classification Sherloc (09022015). Collection method: clinical testing. Allele origin: germline.
Comment: In summary, the available evidence is currently insufficient to determine the role of this variant in disease. Therefore, it has been classified as a Variant of Uncertain Significance. Advanced modeling of protein sequence and biophysical properties (such as structural, functional, and spatial information, amino acid conservation, physicochemical variation, residue mobility, and thermodynamic stability) has been performed at Invitae for this missense variant, however the output from this modeling did not meet the statistical confidence thresholds required to predict the impact of this variant on CACNA1D protein function. This variant has not been reported in the literature in individuals affected with CACNA1D-related conditions. This variant is present in population databases (no rsID available, gnomAD 0.007%). This sequence change replaces arginine, which is basic and polar, with glycine, which is neutral and non-polar, at codon 935 of the CACNA1D protein (p.Arg935Gly).